The following is an entry in ClinVar:

NM_001330260.2(SCN8A):c.5182C>A (p.Pro1728Thr)

Gene: SCN8A (sodium voltage-gated channel alpha subunit 8; plus strand). Cytogenetic location: 12q13.13.
Variant type: single nucleotide variant.
Coding change: c.5182C>A on transcript NM_001330260.2 (MANE Select); coding-DNA position 5182, C replaced by A.
Protein change: p.Pro1728Thr; replaces proline 1728 with threonine.
Molecular consequence: missense variant.
Genome position (GRCh38, 1-based): chr12:51,806,668, C>A. VCF-style: chr12-51806668-C-A. GRCh37 (hg19) VCF-style: chr12-52200452-C-A.
Other names: c.5059C>A, p.Pro1687Thr (NM_001177984.3, NM_001369788.1); c.5182C>A, p.Pro1728Thr (NM_014191.4); short protein forms P1687T, P1728T.
Identifiers: ClinVar variation 3713304 (VCV003713304.2).

ClinVar aggregate classification (germline): Uncertain significance (1 of 4 stars; one submission).

Conditions:
Early-infantile DEE. Also called: Ohtahara syndrome; Early infantile epileptic encephalopathy with suppression bursts; Early infantile epileptic encephalopathy. Identifiers: Orphanet 1934, MedGen C0393706, MONDO:0800491.

Submission:

Labcorp Genetics (formerly Invitae), Labcorp
Classification: Uncertain significance for Early-infantile DEE. Last evaluated: 2024-03-06. Review status: criteria provided, single submitter. Criteria: Invitae Variant Classification Sherloc (09022015). Collection method: clinical testing. Allele origin: germline.
Comment: This sequence change replaces proline, which is neutral and non-polar, with threonine, which is neutral and polar, at codon 1728 of the SCN8A protein (p.Pro1728Thr). This variant is not present in population databases (gnomAD no frequency). This variant has not been reported in the literature in individuals affected with SCN8A-related conditions. Advanced modeling of protein sequence and biophysical properties (such as structural, functional, and spatial information, amino acid conservation, physicochemical variation, residue mobility, and thermodynamic stability) performed at Invitae indicates that this missense variant is not expected to disrupt SCN8A protein function with a negative predictive value of 95%. In summary, the available evidence is currently insufficient to determine the role of this variant in disease. Therefore, it has been classified as a Variant of Uncertain Significance.